The following is an entry in ClinVar:

NM_006922.4(SCN3A):c.3920G>C (p.Arg1307Thr)

Gene: SCN3A (sodium voltage-gated channel alpha subunit 3; minus strand). Cytogenetic location: 2q24.3.
Variant type: single nucleotide variant.
Coding change: c.3920G>C on transcript NM_006922.4 (MANE Select); coding-DNA position 3920, G replaced by C.
Protein change: p.Arg1307Thr; replaces arginine 1307 with threonine.
Molecular consequence: missense variant.
Genome position (GRCh38, 1-based): chr2:165,100,348, C>G on the plus strand (G>C on the coding strand, the complement: SCN3A is on the minus strand). VCF-style: chr2-165100348-C-G. GRCh37 (hg19) VCF-style: chr2-165956858-C-G.
Other names: c.3773G>C, p.Arg1258Thr (NM_001081676.2, NM_001081677.2); short protein forms R1258T, R1307T.
Identifiers: ClinVar variation 1304664 (VCV001304664.2), dbSNP rs2105659949, ClinGen allele CA349028071.
Genomic context (GRCh38, chr2:165,100,348, plus strand): 5'-TCTATTCTTCTTACCCTCATGCCTTCAAACCGGGATAAGGCTCTTAGAGGTCTTAAAGCT[C>G]TTAATGTCCGTAATGATTTGATGGCACCGAGTTCTGAGTAGCCAAGAGCATTGGCTACCA-3'
Protein context (NP_008853.3, residues 1297-1317): LGAIKSLRTL[Arg1307Thr]ALRPLRALSR

ClinVar aggregate classification (germline): Uncertain significance (1 of 4 stars; one submission).

Submission:

GeneDx
Classification: Uncertain significance. Last evaluated: 2021-06-14. Review status: criteria provided, single submitter. Criteria: GeneDx Variant Classification Process June 2021. Collection method: clinical testing. Allele origin: germline. Affected: yes.
Comment: Not observed in large population cohorts (Lek et al., 2016); In silico analysis, which includes protein predictors and evolutionary conservation, supports a deleterious effect; Has not been previously published as pathogenic or benign to our knowledge; This variant is associated with the following publications: (PMID: 27535533)